The following is an entry in ClinVar:

ClinVar aggregate classification (germline): Uncertain significance (1 of 4 stars; one submission).

Allele frequency attached by ClinVar (database versions not stated): gnomAD 0.00001; TOPMed 0.00002.

Submission:

Labcorp Genetics (formerly Invitae), Labcorp
Classification: Uncertain significance. Last evaluated: 2024-01-14. Review status: criteria provided, single submitter. Criteria: Invitae Variant Classification Sherloc (09022015). Collection method: clinical testing. Allele origin: germline.
Comment: This sequence change replaces aspartic acid, which is acidic and polar, with glycine, which is neutral and non-polar, at codon 123 of the ATP5D protein (p.Asp123Gly). The frequency data for this variant in the population databases is considered unreliable, as metrics indicate poor data quality at this position in the gnomAD database. This variant has not been reported in the literature in individuals affected with ATP5D-related conditions. An algorithm developed to predict the effect of missense changes on protein structure and function (PolyPhen-2) suggests that this variant is likely to be tolerated. In summary, the available evidence is currently insufficient to determine the role of this variant in disease. Therefore, it has been classified as a Variant of Uncertain Significance.

NM_001687.5(ATP5F1D):c.368A>G (p.Asp123Gly)

Gene: ATP5F1D (ATP synthase F1 subunit delta; plus strand). Cytogenetic location: 19p13.3.
Variant type: single nucleotide variant.
Coding change: c.368A>G on transcript NM_001687.5 (MANE Select); coding-DNA position 368, A replaced by G.
Protein change: p.Asp123Gly; replaces aspartic acid 123 with glycine.
Molecular consequence: missense variant.
Genome position (GRCh38, 1-based): chr19:1,244,169, A>G. VCF-style: chr19-1244169-A-G. GRCh37 (hg19) VCF-style: chr19-1244168-A-G.
Other names: c.368A>G, p.Asp123Gly (NM_001001975.2); short protein forms D123G.
Identifiers: ClinVar variation 2978857 (VCV002978857.3), dbSNP rs1206632695, ClinGen allele CA402981508.
Genomic context (GRCh38, chr19:1,244,169, plus strand): 5'-CCATCGCAGTGAACGCCGACTCTTCGGTGCAGTTGTTGGCCGAAGAGGCCGTGACGCTGG[A>G]CATGTTGGACCTGGGGGTGAGTGTCAGAGGGGACCTGAGGCTCAGCAGGTTGGAGCTGTC-3'
Protein context (NP_001678.1, residues 113-133): QLLAEEAVTL[Asp123Gly]MLDLGAAKAN